The following is an entry in ClinVar:

ClinVar aggregate classification (germline): Benign (0 of 4 stars; one submission).

Conditions:
DCHS2-related disorder. Also called: DCHS2-related condition.

Submission:

PreventionGenetics, part of Exact Sciences
Classification: Benign for DCHS2-related condition. Last evaluated: 2019-12-24. Review status: no assertion criteria provided. Collection method: clinical testing. Allele origin: germline.
Comment: This variant is classified as benign based on ACMG/AMP sequence variant interpretation guidelines (Richards et al. 2015 PMID: 25741868, with internal and published modifications).

NM_001358235.2(DCHS2):c.7072+8_7072+9del

Genes: DCHS2 (dachsous cadherin-related 2; minus strand), DCHS2-AS1 (DCHS2 antisense RNA 1; plus strand). Cytogenetic location: 4q31.3.
Variant type: Microsatellite.
Coding change: c.7072+8_7072+9del on transcript NM_001358235.2 (MANE Select); bases 8 to 9 of the intron after coding-DNA position 7072, 2 bases deleted (TG; older notation c.7072+8_7072+9delTG).
Molecular consequence: intron variant.
Genome position (GRCh38, 1-based): chr4:154,242,633-154,242,634, CA deleted on the plus strand (TG on the coding strand, the reverse complement: DCHS2 is on the minus strand); deleting any 2 consecutive bases within chr4:154,242,633-154,242,637 gives the same sequence; the c. name uses the placement nearest the transcript's 3' end. VCF-style (leftmost placement, unchanged base first): chr4-154242632-TCA-T. GRCh37 (hg19) VCF-style: chr4-155163784-TCA-T.
Identifiers: ClinVar variation 3037465 (VCV003037465.2), dbSNP rs138768083, ClinGen allele CA3112233.
Genomic context (GRCh38, chr4:154,242,632, plus strand): 5'-TGGCTAAAGAAAATGGTAAATGATATTATACAAGTTAATCAAAACCACTATGCCAAATTG[TCA>T]CACTTACCTTCTGTAATTTCCACTGCTTCAGAGGGGAGAAAAGCTGGGGCATTGTCATTT-3'